The following is an entry in ClinVar:

NM_005215.4(DCC):c.1838T>C (p.Ile613Thr)

Gene: DCC (DCC netrin 1 receptor; plus strand). Cytogenetic location: 18q21.2.
Variant type: single nucleotide variant.
Coding change: c.1838T>C on transcript NM_005215.4 (MANE Select); coding-DNA position 1838, T replaced by C.
Protein change: p.Ile613Thr; replaces isoleucine 613 with threonine.
Molecular consequence: missense variant.
Genome position (GRCh38, 1-based): chr18:53,207,794, T>C. VCF-style: chr18-53207794-T-C. GRCh37 (hg19) VCF-style: chr18-50734164-T-C.
Other names: short protein forms I613T.
Identifiers: ClinVar variation 3365981 (VCV003365981.1).

ClinVar aggregate classification (germline): Uncertain significance (1 of 4 stars; one submission).

gnomAD v4.1: 34 of 1,612,378 alleles (0.0021%); highest among the groups gnomAD compares: Non-Finnish European, 0.0029%; no homozygotes.

Submission:

GeneDx
Classification: Uncertain significance. Last evaluated: 2023-10-12. Review status: criteria provided, single submitter. Criteria: GeneDx Variant Classification Process June 2021. Collection method: clinical testing. Allele origin: germline. Affected: yes.
Comment: Not observed at significant frequency in large population cohorts (gnomAD); In silico analysis supports that this missense variant does not alter protein structure/function; Has not been previously published as pathogenic or benign to our knowledge